The following is an entry in ClinVar:

ClinVar aggregate classification (germline): Uncertain significance. Review status: criteria provided, multiple submitters, no conflicts (2 of 4 stars). 3 submissions from 3 submitters: Uncertain significance (3). Last evaluated 2026-08-06.

Conditions:
Inborn genetic diseases. Identifiers: MedGen C0950123, MeSH D030342.

Allele frequency attached by ClinVar (database versions not stated): gnomAD exomes 0.00009; ExAC 0.00016; 1000 Genomes Project 0.00020; gnomAD 0.00028 and 0.00031; TOPMed 0.00029; ESP Exome Variant Server 0.00038.
gnomAD v4.1: 96 of 1,606,176 alleles (0.006%); highest among the groups gnomAD compares: African/African-American, 0.093%; no homozygotes.

Submissions (3):

OLLIN Analises Genomicas, OLLIN
Classification: Uncertain significance. Last evaluated: 2026-08-06. Review status: criteria provided, single submitter. Criteria: ACMG Guidelines 2015 PMID 25741868. Collection method: clinical testing. Allele origin: germline.
Comment: This missense variant, located in exon 3 (of 7), has been reported in ClinVar (accession VCV001424919.6) and in gnomAD with an allele frequency of 0.006%. However, to our knowledge, it has not been reported in the scientific literature. In silico analysis predicts that this variant has a tolerated effect. According to the currently available evidence, this variant has been classified as uncertain significance (PM2_P, BP4_M).

Labcorp Genetics (formerly Invitae), Labcorp
Classification: Uncertain significance. Last evaluated: 2025-01-27. Review status: criteria provided, single submitter. Criteria: Invitae Variant Classification Sherloc (09022015). Collection method: clinical testing. Allele origin: germline.
Comment: This sequence change replaces methionine, which is neutral and non-polar, with valine, which is neutral and non-polar, at codon 334 of the PKDCC protein (p.Met334Val). This variant is present in population databases (rs140379807, gnomAD 0.1%). This variant has not been reported in the literature in individuals affected with PKDCC-related conditions. ClinVar contains an entry for this variant (Variation ID: 1424919). An algorithm developed to predict the effect of missense changes on protein structure and function (PolyPhen-2) suggests that this variant¬†is likely to be tolerated. In summary, the available evidence is currently insufficient to determine the role of this variant in disease. Therefore, it has been classified as a Variant of Uncertain Significance.

Ambry Genetics
Classification: Uncertain significance for Inborn genetic diseases. Last evaluated: 2024-12-10. Review status: criteria provided, single submitter. Criteria: Ambry Variant Classification Scheme 2023. Collection method: clinical testing. Allele origin: germline.

NM_138370.3(PKDCC):c.1000A>G (p.Met334Val)

Gene: PKDCC (protein kinase domain containing, cytoplasmic; plus strand). Cytogenetic location: 2p21.
Variant type: single nucleotide variant.
Coding change: c.1000A>G on transcript NM_138370.3 (MANE Select); coding-DNA position 1000, A replaced by G.
Protein change: p.Met334Val; replaces methionine 334 with valine.
Molecular consequence: missense variant.
Genome position (GRCh38, 1-based): chr2:42,054,273, A>G. VCF-style: chr2-42054273-A-G. GRCh37 (hg19) VCF-style: chr2-42281413-A-G.
Other names: c.1000A>G (NM_138370.2); short protein forms M334V.
Identifiers: ClinVar variation 1424919 (VCV001424919.7), dbSNP rs140379807, ClinGen allele CA1628082.